The following is an entry in ClinVar:

ClinVar aggregate classification (germline): Pathogenic/Likely pathogenic. Review status: criteria provided, multiple submitters, no conflicts (2 of 4 stars). 4 submissions from 4 submitters: Pathogenic (1); Likely pathogenic (1). 2 of the submissions do not count toward it. Last evaluated 2025-01-02.

Conditions:
Dyskeratosis congenita. Identifiers: Orphanet 1775, MedGen C0265965, MONDO:0015780.
Dyskeratosis congenita, X-linked (DKCX). Also called: Zinsser-Cole-Engman Syndrome. Identifiers: MedGen C1148551, MONDO:0010584, OMIM 305000.

Submissions (4):

GeneDx
Classification: Pathogenic. Last evaluated: 2025-01-02. Review status: criteria provided, single submitter. Criteria: GeneDx Variant Classification Process June 2021. Collection method: clinical testing. Allele origin: germline. Affected: yes.
Comment: Published functional studies demonstrate that p.(T66A) leads to lowered levels of rRNA seudouridylation as well as an increase in cell apoptosis (PMID: 11851894, 23707062); Not observed at significant frequency in large population cohorts (gnomAD); In silico analysis supports that this missense variant has a deleterious effect on protein structure/function; This variant is associated with the following publications: (PMID: 22117216, 9888995, 23707062, 21228398, 30577491, 10364516, 38272871, 36496180, 30202881, 11851894)

Labcorp Genetics (formerly Invitae), Labcorp
Classification: Likely pathogenic for Dyskeratosis congenita. Last evaluated: 2023-03-17. Review status: criteria provided, single submitter. Criteria: Invitae Variant Classification Sherloc (09022015). Collection method: clinical testing. Allele origin: germline.
Comment: In summary, the currently available evidence indicates that the variant is pathogenic, but additional data are needed to prove that conclusively. Therefore, this variant has been classified as Likely Pathogenic. Experimental studies have shown that this missense change affects DKC1 function (PMID: 10591218, 16690864, 18212040, 23707062, 26571381, 30202881). Advanced modeling of protein sequence and biophysical properties (such as structural, functional, and spatial information, amino acid conservation, physicochemical variation, residue mobility, and thermodynamic stability) performed at Invitae indicates that this missense variant is not expected to disrupt DKC1 protein function. ClinVar contains an entry for this variant (Variation ID: 38946). This missense change has been observed in individual(s) with dyskeratosis congenita (PMID: 768476, 9888995). It has also been observed to segregate with disease in related individuals. This variant is not present in population databases (gnomAD no frequency). This sequence change replaces threonine, which is neutral and polar, with alanine, which is neutral and non-polar, at codon 66 of the DKC1 protein (p.Thr66Ala).

GeneReviews
No classification provided. Condition: Dyskeratosis congenita, X-linked. Review status: no classification provided. Collection method: literature only. Allele origin: unknown. Not counted in ClinVar's aggregate classification.

UniProtKB/Swiss-Prot
No classification provided. Condition: Dyskeratosis congenita X-linked. Review status: no classification provided. Collection method: not provided. Allele origin: germline. Not counted in ClinVar's aggregate classification.

Literature cited by the submitters: PubMed 10591218 (cited by Labcorp Genetics (formerly Invitae), Labcorp); PubMed 16690864 (cited by Labcorp Genetics (formerly Invitae), Labcorp); PubMed 18212040 (cited by Labcorp Genetics (formerly Invitae), Labcorp); PubMed 23707062 (cited by Labcorp Genetics (formerly Invitae), Labcorp); PubMed 26571381 (cited by Labcorp Genetics (formerly Invitae), Labcorp); PubMed 30202881 (cited by Labcorp Genetics (formerly Invitae), Labcorp); PubMed 768476 (cited by Labcorp Genetics (formerly Invitae), Labcorp); PubMed 9888995 (cited by Labcorp Genetics (formerly Invitae), Labcorp); PubMed 20301779 (cited by GeneReviews); NCBI Bookshelf NBK22301 (cited by GeneReviews).

NM_001363.5(DKC1):c.196A>G (p.Thr66Ala)

Gene: DKC1 (dyskerin pseudouridine synthase 1; plus strand). Cytogenetic location: Xq28.
Variant type: single nucleotide variant.
Coding change: c.196A>G on transcript NM_001363.5 (MANE Select); coding-DNA position 196, A replaced by G.
Protein change: p.Thr66Ala; replaces threonine 66 with alanine.
Molecular consequence: missense variant. On other transcripts: non-coding transcript variant (3).
Genome position (GRCh38, 1-based): chrX:154,765,931, A>G. VCF-style: chrX-154765931-A-G. GRCh37 (hg19) VCF-style: chrX-153994206-A-G.
Other names: c.196A>G, p.Thr66Ala (NM_001142463.3, NM_001288747.2); short protein forms T66A.
Identifiers: ClinVar variation 38946 (VCV000038946.9), dbSNP rs121912297, ClinGen allele CA343234.